The following is an entry in ClinVar:

ClinVar aggregate classification (germline): Uncertain significance. Review status: criteria provided, multiple submitters, no conflicts (2 of 4 stars). 4 submissions from 4 submitters: Uncertain significance (4). Last evaluated 2025-03-02.

Conditions:
Hereditary cancer-predisposing syndrome. Also called: Neoplastic Syndromes, Hereditary; Hereditary Cancer Syndrome; Tumor predisposition; Hereditary neoplastic syndrome. Identifiers: Orphanet 140162, MedGen C0027672, MeSH D009386, MONDO:0015356.
Lynch syndrome. Identifiers: Orphanet 144, MedGen C4552100, MONDO:0005835. Disease mechanism: loss of function.
Hereditary nonpolyposis colorectal neoplasms. Identifiers: MedGen C0009405, MeSH D003123.

Allele frequency attached by ClinVar (database versions not stated): gnomAD exomes below 0.00001.
gnomAD v4.1: 6 of 1,614,050 alleles (0.00037%); highest among the groups gnomAD compares: Non-Finnish European, 0.00051%; no homozygotes.

Submissions (4):

Ambry Genetics
Classification: Uncertain significance for Hereditary cancer-predisposing syndrome. Last evaluated: 2025-03-02. Review status: criteria provided, single submitter. Criteria: Ambry Variant Classification Scheme 2023. Collection method: clinical testing. Allele origin: germline.
Comment: The p.R628P variant (also known as c.1883G>C), located in coding exon 11 of the PMS2 gene, results from a G to C substitution at nucleotide position 1883. The arginine at codon 628 is replaced by proline, an amino acid with dissimilar properties. This amino acid position is conserved. In addition, this alteration is predicted to be tolerated by in silico analysis. Based on the available evidence, the clinical significance of this variant remains unclear.

All of Us Research Program, National Institutes of Health
Classification: Uncertain significance for Lynch syndrome. Last evaluated: 2023-12-01. Review status: criteria provided, single submitter. Criteria: ACMG Guidelines, 2015. Collection method: clinical testing. Allele origin: germline. Inheritance: Autosomal dominant inheritance. Observed: 1 variant allele, 1 heterozygote.
Comment: This study involves interpretation of variants in research participants for the purpose of population health screening. Participant phenotype was not available at the time of variant classification. Additional details can be found in publication PMID: 35346344, PMCID: PMC8962531

Labcorp Genetics (formerly Invitae), Labcorp
Classification: Uncertain significance for Hereditary nonpolyposis colorectal neoplasms. Last evaluated: 2022-11-01. Review status: criteria provided, single submitter. Criteria: Invitae Variant Classification Sherloc (09022015). Collection method: clinical testing. Allele origin: germline.
Comment: This variant is not present in population databases (gnomAD no frequency). This variant has not been reported in the literature in individuals affected with PMS2-related conditions. Advanced modeling of protein sequence and biophysical properties (such as structural, functional, and spatial information, amino acid conservation, physicochemical variation, residue mobility, and thermodynamic stability) performed at Invitae indicates that this missense variant is expected to disrupt PMS2 protein function. In summary, the available evidence is currently insufficient to determine the role of this variant in disease. Therefore, it has been classified as a Variant of Uncertain Significance. This sequence change replaces arginine, which is basic and polar, with proline, which is neutral and non-polar, at codon 628 of the PMS2 protein (p.Arg628Pro).

GeneDx
Classification: Uncertain significance. Last evaluated: 2022-08-02. Review status: criteria provided, single submitter. Criteria: GeneDx Variant Classification Process June 2021. Collection method: clinical testing. Allele origin: germline. Affected: yes.
Comment: Not observed at significant frequency in large population cohorts (gnomAD); In silico analysis supports that this missense variant has a deleterious effect on protein structure/function; Has not been previously published as pathogenic or benign to our knowledge; This variant is associated with the following publications: (PMID: 19148896, 11292842)

NM_000535.7(PMS2):c.1883G>C (p.Arg628Pro)

Gene: PMS2 (PMS1 homolog 2, mismatch repair system component; minus strand). Cytogenetic location: 7p22.1.
Variant type: single nucleotide variant.
Coding change: c.1883G>C on transcript NM_000535.7 (MANE Select); coding-DNA position 1883, G replaced by C.
Protein change: p.Arg628Pro; replaces arginine 628 with proline.
Molecular consequence: missense variant. On other transcripts: non-coding transcript variant (1).
Genome position (GRCh38, 1-based): chr7:5,986,882, C>G on the plus strand (G>C on the coding strand, the complement: PMS2 is on the minus strand). VCF-style: chr7-5986882-C-G. GRCh37 (hg19) VCF-style: chr7-6026513-C-G.
Other names: c.1478G>C, p.Arg493Pro (NM_001018040.1, NM_001322003.2, NM_001322004.2 and 17 more transcripts); c.1727G>C, p.Arg576Pro (NM_001322006.2, NM_001406870.1); c.1565G>C, p.Arg522Pro (NM_001322007.2, NM_001322008.2, NM_001406876.1 and 2 more transcripts); c.1322G>C, p.Arg441Pro (NM_001322010.2, NM_001406906.1, NM_001406907.1); c.950G>C, p.Arg317Pro (NM_001322011.2, NM_001322012.2); c.1310G>C, p.Arg437Pro (NM_001322013.2, NM_001406909.1); c.1883G>C, p.Arg628Pro (NM_001322014.2, NM_001406871.1, NM_001406872.1); c.1574G>C, p.Arg525Pro (NM_001322015.2, NM_001406875.1, NM_001406877.1 and 5 more transcripts); and 12 more; short protein forms R371P, R457P, R470P, R516P, R525P, R562P, R592P, R628P.
Identifiers: ClinVar variation 1913625 (VCV001913625.9), dbSNP rs587780044, ClinGen allele CA366739438.
Genomic context (GRCh38, chr7:5,986,882, plus strand): 5'-AACTTCCTGTAATTCTGTTCCCCTTCACTTTGCTGTGCTTCATGATGTAACTGCTTTATT[C>G]GTTTAGCTAAAGAACTCATAGAAAAGTCCAGGGGCACAACTTTCTTATTAATTTTCACAG-3'
Protein context (NP_000526.2, residues 618-638): LDFSMSSLAK[Arg628Pro]IKQLHHEAQQ